The following is an entry in ClinVar:

NM_000393.5(COL5A2):c.3380G>A (p.Arg1127His)

Gene: COL5A2 (collagen type V alpha 2 chain; minus strand). Cytogenetic location: 2q32.2.
Variant type: single nucleotide variant.
Coding change: c.3380G>A on transcript NM_000393.5 (MANE Select); coding-DNA position 3380, G replaced by A.
Protein change: p.Arg1127His; replaces arginine 1127 with histidine.
Molecular consequence: missense variant.
Genome position (GRCh38, 1-based): chr2:189,043,242, C>T on the plus strand (G>A on the coding strand, the complement: COL5A2 is on the minus strand). VCF-style: chr2-189043242-C-T. GRCh37 (hg19) VCF-style: chr2-189907968-C-T.
Other names: short protein forms R1127H.
Identifiers: ClinVar variation 2077283 (VCV002077283.3), dbSNP rs770497804, ClinGen allele CA2022008.

ClinVar aggregate classification (germline): Uncertain significance (1 of 4 stars; one submission).

Conditions:
Ehlers-Danlos syndrome, classic type, 1 (EDSCL1). Also called: EHLERS-DANLOS SYNDROME, GRAVIS TYPE; EHLERS-DANLOS SYNDROME, SEVERE CLASSIC TYPE; Ehlers-Danlos syndrome, type 1; EDS I; Ehlers-Danlos Syndrome, Classic Type, COL5A1-Related. Identifiers: MedGen C0268335, MONDO:0019567, OMIM 130000.

Allele frequency attached by ClinVar (database versions not stated): gnomAD exomes 0.00001; ExAC 0.00003; gnomAD 0.00001.
gnomAD v4.1: 15 of 1,613,244 alleles (0.00093%); highest among the groups gnomAD compares: Non-Finnish European, 0.0012%; no homozygotes.

Submission:

Labcorp Genetics (formerly Invitae), Labcorp
Classification: Uncertain significance for Ehlers-Danlos syndrome, classic type, 1. Last evaluated: 2023-09-11. Review status: criteria provided, single submitter. Criteria: Invitae Variant Classification Sherloc (09022015). Collection method: clinical testing. Allele origin: germline.
Comment: The frequency data for this variant in the population databases is considered unreliable, as metrics indicate poor data quality at this position in the gnomAD database. This variant has not been reported in the literature in individuals affected with COL5A2-related conditions. ClinVar contains an entry for this variant (Variation ID: 2077283). Advanced modeling of protein sequence and biophysical properties (such as structural, functional, and spatial information, amino acid conservation, physicochemical variation, residue mobility, and thermodynamic stability) has been performed at Invitae for this missense variant, however the output from this modeling did not meet the statistical confidence thresholds required to predict the impact of this variant on COL5A2 protein function. In summary, the available evidence is currently insufficient to determine the role of this variant in disease. Therefore, it has been classified as a Variant of Uncertain Significance. This sequence change replaces arginine, which is basic and polar, with histidine, which is basic and polar, at codon 1127 of the COL5A2 protein (p.Arg1127His).